The following is an entry in ClinVar:

ClinVar aggregate classification (germline): Uncertain significance (1 of 4 stars; one submission).

Conditions:
Cardiomyopathy (CMYO). Also called: Cardiomyopathies. Identifiers: Orphanet 167848, MedGen C0878544, MONDO:0004994, HP:0001638. Inheritance: Various modes of inheritance.

Submission:

Color Diagnostics, LLC DBA Color Health
Classification: Uncertain significance for Cardiomyopathy. Last evaluated: 2019-01-16. Review status: criteria provided, single submitter. Criteria: ACMG Guidelines, 2015. Collection method: clinical testing. Allele origin: germline.
Comment: Variant of Uncertain Significance due to insufficient evidence: This variant is located close to the intron 3 splice acceptor site of the TMEM43 gene. Computational splicing tools predict that this variant may disrupt RNA splicing. To our knowledge, functional assays have not been performed for this variant nor has this variant been reported in individuals affected with cardiovascular disorders in the literature. This variant is rare in the general population and has been identified in 0/277264 chromosomes by the Genome Aggregation Database (gnomAD). Available evidence is insufficient to determine the role of this variant in disease conclusively.

NM_024334.3(TMEM43):c.298-7T>A

Gene: TMEM43 (transmembrane protein 43; plus strand). Cytogenetic location: 3p25.1.
Variant type: single nucleotide variant.
Coding change: c.298-7T>A on transcript NM_024334.3 (MANE Select); 7 bases into the intron before coding-DNA position 298, T replaced by A.
Molecular consequence: intron variant.
Genome position (GRCh38, 1-based): chr3:14,131,573, T>A. VCF-style: chr3-14131573-T-A. GRCh37 (hg19) VCF-style: chr3-14173073-T-A.
Identifiers: ClinVar variation 925484 (VCV000925484.3), dbSNP rs1695095938, ClinGen allele CA913188039.